The following is an entry in ClinVar:

GRCh37/hg19 22q13.31-13.33(chr22:45889148-51197838)x1

Genes: ACR (acrosin; plus strand), ADM2 (adrenomedullin 2; plus strand), ALG12 (ALG12 alpha-1,6-mannosyltransferase; minus strand), ARSA (arylsulfatase A; minus strand), ATXN10 (ataxin 10; plus strand) and 47 more. Cytogenetic location: 22q13.31-13.33.
Variant type: copy number loss.
Change: copy number 1 (one copy instead of two) of chr22:45,889,148-51,197,838 (5.31 Mb, GRCh37 coordinates, 1-based), cytogenetic band 22q13.31-13.33.
Identifiers: ClinVar variation 1808203 (VCV001808203.1).

ClinVar aggregate classification (germline): Pathogenic (1 of 4 stars; one submission).

Submission:

Quest Diagnostics Nichols Institute San Juan Capistrano
Classification: Pathogenic. Last evaluated: 2022-05-26. Review status: criteria provided, single submitter. Criteria: ACMG/ClinGen CNV Guidelines, 2019. Collection method: clinical testing. Allele origin: unknown.
Comment: This deletion is compatible with the diagnosis of 22q13.3 microdeletion syndrome (Phelan-McDermid syndrome, OMIM 606232). The phenotype of the syndrome is variable, according to the size of the deleted segment, but characterized by neonatal hypotonia, global developmental delay, normal to accelerated growth, absent to severely delayed speech, autistic behavior, seizures, and minor dysmorphic features. The loss of 22q13.3 can result from simple deletion, translocation, ring chromosome formation, and less common structural changes affecting the long arm of chromosome 22 (Phelan, Orphanet J Rare Dis. 2008 May 27;3:14. PMID: 18505557; Sarasua et al., Hum Genet. 2014 Jul;133(7):847-59; PMID: 24481935; Zwanenburg et al., J Neurodev Disord. 2016; 8: 16. PMID: 27118998; Phelan, et al., Am J Med Genet. 2001 Jun 15;101(2):91-9. PMID: 11391650). Although SHANK3 (OMIM 606230) is the primary phenotype gene for the neurological features of the syndrome, haploinsufficiency of other genes likely contributes to the phenotype, as well. (Disciglio et al. J. Med. Genet. 164A:1666-1676, 2014. PMID: 24700646).